The following is an entry in ClinVar:

NM_000064.4(C3):c.439T>C (p.Tyr147His)

Gene: C3 (complement C3; minus strand). Cytogenetic location: 19p13.3.
Variant type: single nucleotide variant.
Coding change: c.439T>C on transcript NM_000064.4 (MANE Select); coding-DNA position 439, T replaced by C.
Protein change: p.Tyr147His; replaces tyrosine 147 with histidine.
Molecular consequence: missense variant.
Genome position (GRCh38, 1-based): chr19:6,718,159, A>G on the plus strand (T>C on the coding strand, the complement: C3 is on the minus strand). VCF-style: chr19-6718159-A-G. GRCh37 (hg19) VCF-style: chr19-6718170-A-G.
Other names: short protein forms Y147H.
Identifiers: ClinVar variation 3609667 (VCV003609667.3).
Genomic context (GRCh38, chr19:6,718,159, plus strand): 5'-TGTTGACCATGACCGTCCGGCCCACGGGTAGCAGCTTGTGGTTGACGGTGAAGATCCGAT[A>G]GAGAACTGGGGAGAGACAAAGAGGCCTCGTGAGACCCTAGCCCGCCCACGCCGGTGCCCC-3'
Protein context (NP_000055.2, residues 137-157): TIYTPGSTVL[Tyr147His]RIFTVNHKLL

ClinVar aggregate classification (germline): Uncertain significance. Review status: criteria provided, multiple submitters, no conflicts (2 of 4 stars). 2 submissions from 2 submitters: Uncertain significance (2). Last evaluated 2024-07-31.

gnomAD v4.1: 7 of 1,614,054 alleles (0.00043%); highest among the groups gnomAD compares: Non-Finnish European, 0.00059%; no homozygotes.

Submissions (2):

Labcorp Genetics (formerly Invitae), Labcorp
Classification: Uncertain significance. Last evaluated: 2024-07-31. Review status: criteria provided, single submitter. Criteria: Invitae Variant Classification Sherloc (09022015). Collection method: clinical testing. Allele origin: germline.
Comment: This sequence change replaces tyrosine, which is neutral and polar, with histidine, which is basic and polar, at codon 147 of the C3 protein (p.Tyr147His). This variant is present in population databases (rs767731378, gnomAD 0.003%). This variant has not been reported in the literature in individuals affected with C3-related conditions. Advanced modeling of protein sequence and biophysical properties (such as structural, functional, and spatial information, amino acid conservation, physicochemical variation, residue mobility, and thermodynamic stability) performed at Invitae indicates that this missense variant is expected to disrupt C3 protein function with a positive predictive value of 80%. In summary, the available evidence is currently insufficient to determine the role of this variant in disease. Therefore, it has been classified as a Variant of Uncertain Significance.

Blueprint Genetics
Classification: Uncertain significance. Last evaluated: 2022-01-17. Review status: criteria provided, single submitter. Criteria: ACMG Guidelines, 2015. Collection method: clinical testing. Allele origin: germline.